The following is an entry in ClinVar:

ClinVar aggregate classification (germline): Likely benign (1 of 4 stars; one submission).

Allele frequency attached by ClinVar (database versions not stated): gnomAD 0.00013; TOPMed 0.00013; ExAC 0.00014; ESP Exome Variant Server 0.00017.
gnomAD v4.1: 143 of 1,613,714 alleles (0.0089%); highest among the groups gnomAD compares: East Asian, 0.027%; 2 homozygotes.

Submission:

CeGaT Center for Human Genetics Tuebingen
Classification: Likely benign. Last evaluated: 2022-10-01. Review status: criteria provided, single submitter. Criteria: CeGaT Center For Human Genetics Tuebingen Variant Classification Criteria Version 2. Collection method: clinical testing. Allele origin: germline. Affected: yes. Observed: 1 variant allele.
Comment: FAT3: BP4, BP7

NM_001367949.2(FAT3):c.2667C>T (p.Ala889=)

Gene: FAT3 (FAT atypical cadherin 3; plus strand). Cytogenetic location: 11q14.3.
Variant type: single nucleotide variant.
Coding change: c.2667C>T on transcript NM_001367949.2 (MANE Select); coding-DNA position 2667, C replaced by T.
Protein change: p.Ala889=; no amino-acid change (alanine 889 retained).
Molecular consequence: synonymous variant.
Genome position (GRCh38, 1-based): chr11:92,354,779, C>T. VCF-style: chr11-92354779-C-T. GRCh37 (hg19) VCF-style: chr11-92087945-C-T.
Other names: c.2667C>T, p.Ala889= (NM_001008781.3, NM_001378141.1).
Identifiers: ClinVar variation 2642268 (VCV002642268.24), dbSNP rs370314147, ClinGen allele CA6226509.